The following is an entry in ClinVar:

ClinVar aggregate classification (germline): Pathogenic/Likely pathogenic. Review status: criteria provided, multiple submitters, no conflicts (2 of 4 stars). 4 submissions from 4 submitters: Pathogenic (2); Likely pathogenic (1). 1 of the submissions does not count toward it. Last evaluated 2024-11-06.

Conditions:
Usher syndrome type 1 (USH1). Also called: RETINITIS PIGMENTOSA AND CONGENITAL DEAFNESS. Identifiers: Orphanet 231169, Orphanet 886, MedGen C1568247, MONDO:0010168, OMIM 276900.
Usher syndrome type 1B (USH1B). Also called: Usher syndrome type IB. Identifiers: MedGen C1848638, MONDO:0700087.
Autosomal recessive nonsyndromic hearing loss 2. Also called: NEUROSENSORY NONSYNDROMIC RECESSIVE DEAFNESS 2; DEAFNESS, AUTOSOMAL RECESSIVE 2. Identifiers: Orphanet 90636, MedGen C1838701, MONDO:0010807, OMIM 600060.

gnomAD v4.1: 2 of 1,613,900 alleles (0.00012%); highest among the groups gnomAD compares: South Asian, 0.0011%; no homozygotes.

Submissions (4):

Natera, Inc.
Classification: Likely pathogenic for Usher syndrome type 1B. Last evaluated: 2024-11-06. Review status: criteria provided, single submitter. Criteria: Natera Variant Classification Schema (03/2026). Collection method: clinical testing. Allele origin: germline.
Comment: The c.3978C>A variant in MYO7A is a nonsense variant predicted to introduce a stop codon at amino acid 1326. This variant is expected to result in nonsense mediated decay, truncation, or a dysfunctional protein product. This variant is rare in the general population with a frequency below the threshold expected for the associated phenotype(s). Given the available evidence, this variant is classified as Likely Pathogenic.

Myriad Genetics, Inc.
Classification: Pathogenic for Usher syndrome type 1. Last evaluated: 2024-09-04. Review status: criteria provided, single submitter. Criteria: Myriad Autosomal Dominant, Autosomal Recessive and X-Linked Classification Criteria (2023). Collection method: clinical testing. Allele origin: unknown.
Comment: NM_000260.3(MYO7A):c.3978C>A(C1326*) is expected to be pathogenic in the context of MYO7A-related disorders. This variant is predicted to lead to an abnormal or absent protein product due to the creation of a premature termination codon in MYO7A, a gene where loss-of-function variants are known to be pathogenic. Please note: this variant was assessed in the context of healthy population screening.

Labcorp Genetics (formerly Invitae), Labcorp
Classification: Pathogenic. Last evaluated: 2023-06-25. Review status: criteria provided, single submitter. Criteria: Invitae Variant Classification Sherloc (09022015). Collection method: clinical testing. Allele origin: germline.
Comment: This sequence change creates a premature translational stop signal (p.Cys1326*) in the MYO7A gene. It is expected to result in an absent or disrupted protein product. Loss-of-function variants in MYO7A are known to be pathogenic (PMID: 8900236, 25404053). For these reasons, this variant has been classified as Pathogenic. This premature translational stop signal has been observed in individual(s) with deafness (PMID: 27344577). This variant is present in population databases (rs111033376, gnomAD 0.003%).

Wonkam Laboratory, Johns Hopkins University
Classification: Pathogenic for Autosomal recessive nonsyndromic hearing loss 2. Last evaluated: 2024-01-06. Review status: no assertion criteria provided. Collection method: research. Allele origin: biparental. Inheritance: Autosomal recessive inheritance. Affected: yes. Observed: 4 variant alleles. Clinical features observed: Nonsyndromic profound hearing loss. Not counted in ClinVar's aggregate classification.
Comment: The variant NM_000260.4 c.3978C>A leads to an early termination of the protein translation and trunction at the position 1326 in the protein sequence, which a known mechanism of disease (PVS1), Absent from controls (or at extremely low frequency if recessive) in Exome Sequencing Project, 1000 Genomes Project, or Exome Aggregation Consortium (PM2), Cosegregation with disease in multiple affected family members in a gene definitively known to cause the disease (PP1), Patient's phenotype or family history is highly specific for a disease with a single genetic etiology (PP4), several individuals with nonsyndromic hearing loss have been reported with this variant (PP5)

Literature cited by the submitters: PubMed 8900236 (cited by Labcorp Genetics (formerly Invitae), Labcorp); PubMed 25404053 (cited by Labcorp Genetics (formerly Invitae), Labcorp); PubMed 27344577 (cited by Labcorp Genetics (formerly Invitae), Labcorp and Wonkam Laboratory, Johns Hopkins University).

NM_000260.4(MYO7A):c.3978C>A (p.Cys1326Ter)

Gene: MYO7A (myosin VIIA; plus strand). Cytogenetic location: 11q13.5.
Variant type: single nucleotide variant.
Coding change: c.3978C>A on transcript NM_000260.4 (MANE Select); coding-DNA position 3978, C replaced by A.
Protein change: p.Cys1326Ter; replaces cysteine 1326 with a stop codon.
Molecular consequence: nonsense.
Genome position (GRCh38, 1-based): chr11:77,192,104, C>A. VCF-style: chr11-77192104-C-A. GRCh37 (hg19) VCF-style: chr11-76903149-C-A.
Other names: c.3978C>A (NM_000260.3); c.3978C>A, p.Cys1326Ter (NM_001127180.2); c.3945C>A, p.Cys1315Ter (NM_001369365.1); short protein forms C1326*, C1315*.
Identifiers: ClinVar variation 2735710 (VCV002735710.6), dbSNP rs111033376, ClinGen allele CA6198278.